The following is an entry in ClinVar:

ClinVar aggregate classification (germline): Likely pathogenic (1 of 4 stars; one submission).

Submission:

GeneDx
Classification: Likely pathogenic. Last evaluated: 2026-01-30. Review status: criteria provided, single submitter. Criteria: GeneDx Variant Classification Process June 2021. Collection method: clinical testing. Allele origin: germline.
Comment: Frameshift variant predicted to result in abnormal protein length as the last 56 amino acid(s) are replaced with 43 different amino acid(s), and other similar variants have been reported in HGMD; Not observed at significant frequency in large population cohorts (gnomAD); This variant is associated with the following publications: (PMID: 19443464)

NM_001317778.2(SFTPC):c.424del (p.His142fs)

Gene: SFTPC (surfactant protein C; plus strand). Cytogenetic location: 8p21.3.
Variant type: Deletion.
Coding change: c.424del on transcript NM_001317778.2 (MANE Select); coding-DNA position 424, one base deleted (C; older notation c.424delC).
Protein change: p.His142fs; shifts the reading frame from histidine 142.
Molecular consequence: frameshift variant.
Genome position (GRCh38, 1-based): chr8:22,163,535, C deleted; the last of 2 consecutive C bases (chr8:22,163,534-22,163,535); deleting either gives the same sequence. VCF-style (leftmost placement, unchanged base first): chr8-22163533-TC-T. GRCh37 (hg19) VCF-style: chr8-22021046-TC-T.
Other names: c.424del, p.His142fs (NM_001172357.2, NM_001172410.2, NM_001317780.2 and 8 more transcripts); c.265del, p.His89fs (NM_001317779.2, NM_001385660.1); short protein forms H142fs, H89fs.
Identifiers: ClinVar variation 4887836 (VCV004887836.1).